The following is an entry in ClinVar:

NM_001014447.3(CPZ):c.788A>G (p.Gln263Arg)

Gene: CPZ (carboxypeptidase Z; plus strand). Cytogenetic location: 4p16.1.
Variant type: single nucleotide variant.
Coding change: c.788A>G on transcript NM_001014447.3 (MANE Select); coding-DNA position 788, A replaced by G.
Protein change: p.Gln263Arg; replaces glutamine 263 with arginine.
Molecular consequence: missense variant.
Genome position (GRCh38, 1-based): chr4:8,606,067, A>G. VCF-style: chr4-8606067-A-G. GRCh37 (hg19) VCF-style: chr4-8607794-A-G.
Other names: NC_000004.11:g.8607794A>G; c.788A>G (NM_001014447.2); c.377A>G, p.Gln126Arg (NM_001014448.3); c.755A>G, p.Gln252Arg (NM_003652.4); short protein forms Q263R, Q126R, Q252R.
Identifiers: ClinVar variation 709574 (VCV000709574.7), dbSNP rs139418095, ClinGen allele CA2853355.

ClinVar aggregate classification (germline): Benign. Review status: criteria provided, multiple submitters, no conflicts (2 of 4 stars). 3 submissions from 3 submitters: Benign (2). 1 of the submissions does not count toward it. Last evaluated 2018-04-07.

Conditions:
CPZ-related disorder. Also called: CPZ-related condition.

Allele frequency attached by ClinVar (database versions not stated): 1000 Genomes Project 30x 0.00047; 1000 Genomes Project 0.00060; TOPMed 0.00190; ESP Exome Variant Server 0.00223; ExAC 0.00270; gnomAD exomes 0.00276; gnomAD 0.00455.
gnomAD v4.1: 5,120 of 1,614,190 alleles (0.32%); highest among the groups gnomAD compares: Non-Finnish European, 0.33%; 14 homozygotes.

Submissions (6):

Labcorp Genetics (formerly Invitae), Labcorp
Classification: Benign. Last evaluated: 2018-04-07. Review status: criteria provided, single submitter. Criteria: Invitae Variant Classification Sherloc (09022015). Collection method: clinical testing. Allele origin: germline.

Breakthrough Genomics
Classification: Benign. Review status: criteria provided, single submitter. Criteria: ACMG Guidelines, 2015. Collection method: not provided. Allele origin: germline. Inheritance: Unknown mechanism. Affected: yes.

PreventionGenetics, part of Exact Sciences
Classification: Benign for CPZ-related condition. Last evaluated: 2019-12-04. Review status: no assertion criteria provided. Collection method: clinical testing. Allele origin: germline. Not counted in ClinVar's aggregate classification.
Comment: This variant is classified as benign based on ACMG/AMP sequence variant interpretation guidelines (Richards et al. 2015 PMID: 25741868, with internal and published modifications).

Dr. Peter K. Rogan Lab, Western University
No classification provided (evidence only). Condition: Familial cancer of breast. Review status: no classification provided. Collection method: in vitro. Allele origin: not applicable. Functional consequence: retained intron. Not counted in ClinVar's aggregate classification.

Dr. Peter K. Rogan Lab, Western University
No classification provided (evidence only). Condition: Thymoma. Review status: no classification provided. Collection method: in vitro. Allele origin: not applicable. Functional consequence: retained intron. Not counted in ClinVar's aggregate classification.

Dr. Peter K. Rogan Lab, Western University
No classification provided (evidence only). Condition: Gastric cancer. Review status: no classification provided. Collection method: in vitro. Allele origin: not applicable. Functional consequence: retained intron. Not counted in ClinVar's aggregate classification.